The following is an entry in ClinVar:

NM_003628.6(PKP4):c.1423A>G (p.Thr475Ala)

Gene: PKP4 (plakophilin 4; plus strand). Cytogenetic location: 2q24.1.
Variant type: single nucleotide variant.
Coding change: c.1423A>G on transcript NM_003628.6 (MANE Select); coding-DNA position 1423, A replaced by G.
Protein change: p.Thr475Ala; replaces threonine 475 with alanine.
Molecular consequence: missense variant.
Genome position (GRCh38, 1-based): chr2:158,634,150, A>G. VCF-style: chr2-158634150-A-G. GRCh37 (hg19) VCF-style: chr2-159490662-A-G.
Other names: c.1423A>G, p.Thr475Ala (NM_001005476.4, NM_001304971.2, NM_001377218.1 and 1 more transcripts); c.1420A>G, p.Thr474Ala (NM_001304969.3, NM_001377219.1, NM_001377220.1 and 2 more transcripts); c.394A>G, p.Thr132Ala (NM_001304970.3); c.1417A>G, p.Thr473Ala (NM_001377222.1, NM_001377223.1); c.1414A>G, p.Thr472Ala (NM_001377224.1); short protein forms T132A, T474A, T472A, T473A, T475A.
Identifiers: ClinVar variation 3307130 (VCV003307130.1).

ClinVar aggregate classification (germline): Uncertain significance (1 of 4 stars; one submission).

gnomAD v4.1: 5 of 1,613,950 alleles (0.00031%); highest among the groups gnomAD compares: South Asian, 0.0022%; no homozygotes.

Submission:

Ambry Genetics
Classification: Uncertain significance. Last evaluated: 2024-04-21. Review status: criteria provided, single submitter. Criteria: Ambry Variant Classification Scheme 2023. Collection method: clinical testing. Allele origin: germline.
Comment: The p.T475A variant (also known as c.1423A>G), located in coding exon 8 of the PKP4 gene, results from an A to G substitution at nucleotide position 1423. The threonine at codon 475 is replaced by alanine, an amino acid with similar properties. This amino acid position is conserved. In addition, this alteration is predicted to be tolerated by in silico analysis. Based on the available evidence, the clinical significance of this variant remains unclear.